The following is an entry in ClinVar:

ClinVar aggregate classification (germline): Conflicting classifications of pathogenicity. Review status: criteria provided, conflicting classifications (1 of 4 stars). 4 submissions from 4 submitters: Uncertain significance (2); Likely benign (2). Last evaluated 2026-03-27.

Conditions:
Autosomal recessive limb-girdle muscular dystrophy type 2J (LGMDR10). Also called: MUSCULAR DYSTROPHY, LIMB-GIRDLE, AUTOSOMAL RECESSIVE 10; Limb-girdle muscular dystrophy, type 2J. Identifiers: Orphanet 140922, MedGen C1837342, MONDO:0012127, OMIM 608807.
Dilated cardiomyopathy 1G (CMD1G). Identifiers: Orphanet 154, MedGen C1858763, MONDO:0011400, OMIM 604145.
Cardiomyopathy (CMYO). Also called: Cardiomyopathies. Identifiers: Orphanet 167848, MedGen C0878544, MONDO:0004994, HP:0001638. Inheritance: Various modes of inheritance.

Allele frequency attached by ClinVar (database versions not stated): gnomAD 0.00001 and 0.00003; ExAC 0.00002; TOPMed 0.00001; gnomAD exomes 0.00002; 1000 Genomes Project 0.00020; 1000 Genomes Project 30x 0.00016.
gnomAD v4.1: 31 of 1,613,394 alleles (0.0019%); highest among the groups gnomAD compares: East Asian, 0.0045%; no homozygotes.

Submissions (4):

Molecular Diagnostic Laboratory for Inherited Cardiovascular Disease, Montreal Heart Institute
Classification: Likely benign. Last evaluated: 2026-03-27. Review status: criteria provided, single submitter. Criteria: ACMG Guidelines, 2015. Collection method: clinical testing. Allele origin: germline. Affected: no.
Comment: BP1

CHEO Genetics Diagnostic Laboratory, Children's Hospital of Eastern Ontario
Classification: Likely benign for Cardiomyopathy. Last evaluated: 2022-02-11. Review status: criteria provided, single submitter. Criteria: ACMG Guidelines, 2015. Collection method: clinical testing. Allele origin: germline.

Eurofins Ntd Llc (ga)
Classification: Uncertain significance. Last evaluated: 2018-07-23. Review status: criteria provided, single submitter. Criteria: EGL ClinVar v180209 classification definitions. Collection method: clinical testing. Allele origin: germline. Observed: 1 variant allele, 1 heterozygote.

Labcorp Genetics (formerly Invitae), Labcorp
Classification: Uncertain significance for Dilated cardiomyopathy 1G; Autosomal recessive limb-girdle muscular dystrophy type 2J. Last evaluated: 2016-05-20. Review status: criteria provided, single submitter. Criteria: Invitae Variant Classification Sherloc (09022015). Collection method: clinical testing. Allele origin: germline.

NM_001267550.2(TTN):c.59243G>A (p.Arg19748Gln)

Genes: TTN (titin; minus strand), TTN-AS1 (TTN antisense RNA 1; plus strand). Cytogenetic location: 2q31.2.
Variant type: single nucleotide variant.
Coding change: c.59243G>A on transcript NM_001267550.2 (MANE Select); coding-DNA position 59243, G replaced by A.
Protein change: p.Arg19748Gln; replaces arginine 19748 with glutamine.
Molecular consequence: missense variant.
Genome position (GRCh38, 1-based): chr2:178,592,876, C>T on the plus strand (G>A on the coding strand, the complement: TTN is on the minus strand). VCF-style: chr2-178592876-C-T. GRCh37 (hg19) VCF-style: chr2-179457603-C-T.
Other names: c.54320G>A, p.Arg18107Gln (NM_001256850.1); c.32048G>A, p.Arg10683Gln (NM_003319.4); c.51539G>A, p.Arg17180Gln (NM_133378.4); c.32423G>A, p.Arg10808Gln (NM_133432.3); c.32624G>A, p.Arg10875Gln (NM_133437.4); short protein forms R19748Q, R17180Q, R10683Q, R10808Q, R10875Q, R18107Q.
Identifiers: ClinVar variation 405023 (VCV000405023.10), dbSNP rs142791877, ClinGen allele CA1992696.